The following is an entry in ClinVar:

ClinVar aggregate classification (germline): Uncertain significance (1 of 4 stars; one submission).

Conditions:
Cardiovascular phenotype. Identifiers: MedGen CN230736.

Submission:

Ambry Genetics
Classification: Uncertain significance for Cardiovascular phenotype. Last evaluated: 2025-02-21. Review status: criteria provided, single submitter. Criteria: Ambry Variant Classification Scheme 2023. Collection method: clinical testing. Allele origin: germline.
Comment: The p.F197L variant (also known as c.591T>G), located in coding exon 6 of the SPRED1 gene, results from a T to G substitution at nucleotide position 591. The phenylalanine at codon 197 is replaced by leucine, an amino acid with highly similar properties. This amino acid position is conserved. In addition, this alteration is predicted to be tolerated by in silico analysis. Based on the available evidence, the clinical significance of this variant remains unclear.

NM_152594.3(SPRED1):c.591T>G (p.Phe197Leu)

Gene: SPRED1 (sprouty related EVH1 domain containing 1; plus strand). Cytogenetic location: 15q14.
Variant type: single nucleotide variant.
Coding change: c.591T>G on transcript NM_152594.3 (MANE Select); coding-DNA position 591, T replaced by G.
Protein change: p.Phe197Leu; replaces phenylalanine 197 with leucine.
Molecular consequence: missense variant.
Genome position (GRCh38, 1-based): chr15:38,349,430, T>G. VCF-style: chr15-38349430-T-G. GRCh37 (hg19) VCF-style: chr15-38641631-T-G.
Other names: short protein forms F197L.
Identifiers: ClinVar variation 3800927 (VCV003800927.1).